The following is an entry in ClinVar:

NM_006785.4(MALT1):c.641G>T (p.Ser214Ile)

Gene: MALT1 (MALT1 paracaspase; plus strand). Cytogenetic location: 18q21.32.
Variant type: single nucleotide variant.
Coding change: c.641G>T on transcript NM_006785.4 (MANE Select); coding-DNA position 641, G replaced by T.
Protein change: p.Ser214Ile; replaces serine 214 with isoleucine.
Molecular consequence: missense variant.
Genome position (GRCh38, 1-based): chr18:58,700,583, G>T. VCF-style: chr18-58700583-G-T. GRCh37 (hg19) VCF-style: chr18-56367815-G-T.
Other names: c.641G>T, p.Ser214Ile (NM_173844.3); c.641G>T (NM_006785.2); short protein forms S214I.
Identifiers: ClinVar variation 855534 (VCV000855534.8), dbSNP rs150590191, ClinGen allele CA8977672.
Genomic context (GRCh38, chr18:58,700,583, plus strand): 5'-ACAATTTCACCTTTGAATTCAGCCAGTGGTCACAGCTGGATGTTTGCGACATCCCAGAGA[G>T]CTTCCAGAGTAAGTAACGAAAGAAGCTGAATGTTGGGATGGGGATTCCCCATATTTTATT-3'
Protein context (NP_006776.1, residues 204-224): SQLDVCDIPE[Ser214Ile]FQRSVDGVSE

ClinVar aggregate classification (germline): Uncertain significance. Review status: criteria provided, multiple submitters, no conflicts (2 of 4 stars). 2 submissions from 2 submitters: Uncertain significance (2). Last evaluated 2025-08-01.

Conditions:
Inborn genetic diseases. Identifiers: MedGen C0950123, MeSH D030342.
Combined immunodeficiency due to MALT1 deficiency. Also called: Immunodeficiency 12. Identifiers: Orphanet 397964, MedGen C3809583, MONDO:0014197, OMIM 615468.

Allele frequency attached by ClinVar (database versions not stated): ExAC 0.00003; gnomAD 0.00003; gnomAD exomes 0.00003; TOPMed 0.00005; ESP Exome Variant Server 0.00008.
gnomAD v4.1: 39 of 1,595,322 alleles (0.0024%); highest among the groups gnomAD compares: Admixed American, 0.0091%; no homozygotes.

Submissions (2):

Ambry Genetics
Classification: Uncertain significance for Inborn genetic diseases. Last evaluated: 2025-08-01. Review status: criteria provided, single submitter. Criteria: Ambry Variant Classification Scheme 2023. Collection method: clinical testing. Allele origin: germline.

Labcorp Genetics (formerly Invitae), Labcorp
Classification: Uncertain significance for Combined immunodeficiency due to MALT1 deficiency. Last evaluated: 2022-08-09. Review status: criteria provided, single submitter. Criteria: Invitae Variant Classification Sherloc (09022015). Collection method: clinical testing. Allele origin: germline.
Comment: This sequence change replaces serine, which is neutral and polar, with isoleucine, which is neutral and non-polar, at codon 214 of the MALT1 protein (p.Ser214Ile). This variant is present in population databases (rs150590191, gnomAD 0.007%). This variant has not been reported in the literature in individuals affected with MALT1-related conditions. ClinVar contains an entry for this variant (Variation ID: 855534). Algorithms developed to predict the effect of missense changes on protein structure and function (SIFT, PolyPhen-2, Align-GVGD) all suggest that this variant is likely to be tolerated. In summary, the available evidence is currently insufficient to determine the role of this variant in disease. Therefore, it has been classified as a Variant of Uncertain Significance.